The following is an entry in ClinVar:

ClinVar aggregate classification (germline): Pathogenic (1 of 4 stars; one submission).

Conditions:
Hereditary angioedema type 1 (HAE1). Identifiers: Orphanet 100050, Orphanet 100051, Orphanet 91378, MedGen C2717906, MONDO:0015053, OMIM 106100.

Submission:

DNA-diagnostics Laboratory, Research Centre For Medical Genetics
Classification: Pathogenic for Hereditary angioedema type 1. Last evaluated: 2024-08-12. Review status: criteria provided, single submitter. Criteria: ACMG Guidelines, 2015. Collection method: research. Allele origin: germline. Inheritance: Autosomal dominant inheritance. Affected: yes. Observed: 1 heterozygote.
Comment: The pathogenic or likely pathogenic SERPING1 gene variants are detected in >90% of the HAE1/2 families and in >80% of the total HAE families (e.g., DOI: 10.1016/j.molimm.2008.05.007, 10.1159/2F000138883, 10.1016/j.molimm.2011.07.010). The same variant has previously been reported at least in 3 HAE1 cases (PMID: 33292549, DOI: 10.1002/humu.23917). In summary, the c.794G>A variant in SERPING1 meets ACMG/ClinGen SVI guidance criteria to be classified as pathogenic: PVS1, PS4_Mod, PP4_Str, PM2_Sup

Literature cited by the submitters: PubMed 33292549; DOI 10.1002/humu.23917.

NM_000062.3(SERPING1):c.794G>A (p.Trp265Ter)

Gene: SERPING1 (serpin family G member 1; plus strand). Cytogenetic location: 11q12.1.
Variant type: single nucleotide variant.
Coding change: c.794G>A on transcript NM_000062.3 (MANE Select); coding-DNA position 794, G replaced by A.
Protein change: p.Trp265Ter; replaces tryptophan 265 with a stop codon.
Molecular consequence: nonsense.
Genome position (GRCh38, 1-based): chr11:57,606,118, G>A. VCF-style: chr11-57606118-G-A. GRCh37 (hg19) VCF-style: chr11-57373591-G-A.
Other names: c.794G>A, p.Trp265Ter (NM_001032295.2); short protein forms W265*.
Identifiers: ClinVar variation 3336726 (VCV003336726.2).